The following is an entry in ClinVar:

ClinVar aggregate classification (germline): Uncertain significance (1 of 4 stars; one submission).

Conditions:
Brugada syndrome. Also called: Sudden unexplained nocturnal death syndrome; Sudden unexpected nocturnal death syndrome; Sudden Unexplained Death Syndrome; Sudden Unexplained Nocturnal Death Syndrome (SUNDS). Identifiers: Orphanet 130, MedGen C1142166, MONDO:0015263.

Submission:

Labcorp Genetics (formerly Invitae), Labcorp
Classification: Uncertain significance for Brugada syndrome. Last evaluated: 2022-10-24. Review status: criteria provided, single submitter. Criteria: Invitae Variant Classification Sherloc (09022015). Collection method: clinical testing. Allele origin: germline.
Comment: ClinVar contains an entry for this variant (Variation ID: 532058). This variant has not been reported in the literature in individuals affected with CACNA2D1-related conditions. This variant is not present in population databases (gnomAD no frequency). This sequence change creates a premature translational stop signal (p.Thr1011Hisfs*55) in the CACNA2D1 gene. While this is not anticipated to result in nonsense mediated decay, it is expected to disrupt the last 81 amino acid(s) of the CACNA2D1 protein. In summary, the available evidence is currently insufficient to determine the role of this variant in disease. Therefore, it has been classified as a Variant of Uncertain Significance.

NM_000722.4(CACNA2D1):c.3027del (p.Thr1011fs)

Gene: CACNA2D1 (calcium voltage-gated channel auxiliary subunit alpha2delta 1; minus strand). Cytogenetic location: 7q21.11.
Variant type: Deletion.
Coding change: c.3027del on transcript NM_000722.4 (MANE Select); coding-DNA position 3027, one base deleted (A; older notation c.3027delA).
Protein change: p.Thr1011fs; shifts the reading frame from threonine 1011.
Molecular consequence: frameshift variant.
Genome position (GRCh38, 1-based): chr7:81,959,769, T deleted on the plus strand (A on the coding strand, the reverse complement: CACNA2D1 is on the minus strand); the first of 3 consecutive T bases (chr7:81,959,769-81,959,771); deleting any one gives the same sequence. VCF-style (leftmost placement, unchanged base first): chr7-81959768-CT-C. GRCh37 (hg19) VCF-style: chr7-81589084-CT-C.
Other names: c.3063del, p.Thr1023fs (NM_001366867.1); short protein forms T1011fs, T1023fs.
Identifiers: ClinVar variation 532058 (VCV000532058.6), dbSNP rs1554327285, ClinGen allele CA658796945.